The following is an entry in ClinVar:

NM_015557.3(CHD5):c.*47-4G>T

Gene: CHD5 (chromodomain helicase DNA binding protein 5; minus strand). Cytogenetic location: 1p36.31.
Variant type: single nucleotide variant.
Coding change: c.*47-4G>T on transcript NM_015557.3 (MANE Select); 4 bases into the intron before 47 bases downstream of the stop codon, G replaced by T.
Molecular consequence: intron variant.
Genome position (GRCh38, 1-based): chr1:6,105,431, C>A on the plus strand (G>T on the coding strand, the complement: CHD5 is on the minus strand). VCF-style: chr1-6105431-C-A. GRCh37 (hg19) VCF-style: chr1-6165491-C-A.
Identifiers: ClinVar variation 2638116 (VCV002638116.24), dbSNP rs12138820, ClinGen allele CA555588.

ClinVar aggregate classification (germline): Benign (1 of 4 stars; one submission).

Allele frequency attached by ClinVar (database versions not stated): 1000 Genomes Project 0.00280; 1000 Genomes Project 30x 0.00297; gnomAD 0.00332; gnomAD exomes 0.00337; TOPMed 0.00377; ExAC 0.00381.
gnomAD v4.1: 1,604 of 470,492 alleles (0.34%); highest among the groups gnomAD compares: Middle Eastern, 1.6%; 7 homozygotes.

Submission:

CeGaT Center for Human Genetics Tuebingen
Classification: Benign. Last evaluated: 2022-09-01. Review status: criteria provided, single submitter. Criteria: CeGaT Center For Human Genetics Tuebingen Variant Classification Criteria Version 2. Collection method: clinical testing. Allele origin: germline. Affected: yes. Observed: 1 variant allele.
Comment: CHD5: BS1, BS2